The following is an entry in ClinVar:

NM_016156.6(MTMR2):c.262+4C>T

Gene: MTMR2 (myotubularin related protein 2; minus strand). Cytogenetic location: 11q21.
Variant type: single nucleotide variant.
Coding change: c.262+4C>T on transcript NM_016156.6 (MANE Select); 4 bases into the intron after coding-DNA position 262, C replaced by T.
Molecular consequence: intron variant.
Genome position (GRCh38, 1-based): chr11:95,865,597, G>A on the plus strand (C>T on the coding strand, the complement: MTMR2 is on the minus strand). VCF-style: chr11-95865597-G-A. GRCh37 (hg19) VCF-style: chr11-95598761-G-A.
Other names: c.46+4C>T (NM_201281.3, NM_201278.3, NM_001243571.2).
Identifiers: ClinVar variation 476873 (VCV000476873.10), dbSNP rs760282236, ClinGen allele CA6240413.

ClinVar aggregate classification (germline): Uncertain significance. Review status: criteria provided, multiple submitters, no conflicts (2 of 4 stars). 3 submissions from 3 submitters: Uncertain significance (2). 1 of the submissions does not count toward it. Last evaluated 2025-09-26.

Conditions:
Charcot-Marie-Tooth disease type 4. Also called: Charcot-Marie-Tooth, Type 4; Charcot-Marie-Tooth disease, type IV. Identifiers: Orphanet 64749, MedGen C4082197, MONDO:0018995.
MTMR2-related disorder. Also called: MTMR2-related condition.

Allele frequency attached by ClinVar (database versions not stated): TOPMed 0.00003; gnomAD 0.00004; ExAC 0.00012; gnomAD exomes 0.00012.
gnomAD v4.1: 138 of 1,589,852 alleles (0.0087%); highest among the groups gnomAD compares: African/African-American, 0.011%; no homozygotes.

Submissions (3):

Women's Health and Genetics/Laboratory Corporation of America, LabCorp
Classification: Uncertain significance. Last evaluated: 2025-09-26. Review status: criteria provided, single submitter. Criteria: LabCorp Variant Classification Summary - May 2015. Collection method: clinical testing. Allele origin: germline.
Comment: Variant summary: MTMR2 c.262+4C>T alters a non-conserved nucleotide located close to a canonical splice site and therefore could affect mRNA splicing, leading to a significantly altered protein sequence. Consensus agreement among computation tools predict no significant impact on normal splicing. However, these predictions have yet to be confirmed by functional studies. The variant allele was found at a frequency of 0.00012 in 251204 control chromosomes. This frequency is not significantly higher than estimated for disease-causing variants in MTMR2, allowing no conclusion about variant significance. To our knowledge, no occurrence of c.262+4C>T in individuals affected with MTMR2-related conditions and no experimental evidence demonstrating its impact on protein function have been reported. ClinVar contains an entry for this variant (Variation ID: 476873). Based on the evidence outlined above, the variant was classified as uncertain significance.

Labcorp Genetics (formerly Invitae), Labcorp
Classification: Uncertain significance for Charcot-Marie-Tooth disease type 4. Last evaluated: 2024-08-06. Review status: criteria provided, single submitter. Criteria: Invitae Variant Classification Sherloc (09022015). Collection method: clinical testing. Allele origin: germline.
Comment: This sequence change falls in intron 3 of the MTMR2 gene. It does not directly change the encoded amino acid sequence of the MTMR2 protein. It affects a nucleotide within the consensus splice site. This variant is present in population databases (rs760282236, gnomAD 0.02%). This variant has not been reported in the literature in individuals affected with MTMR2-related conditions. ClinVar contains an entry for this variant (Variation ID: 476873). Variants that disrupt the consensus splice site are a relatively common cause of aberrant splicing (PMID: 17576681, 9536098). Algorithms developed to predict the effect of sequence changes on RNA splicing suggest that this variant is not likely to affect RNA splicing. In summary, the available evidence is currently insufficient to determine the role of this variant in disease. Therefore, it has been classified as a Variant of Uncertain Significance.

PreventionGenetics, part of Exact Sciences
Classification: Likely benign for MTMR2-related condition. Last evaluated: 2019-12-03. Review status: no assertion criteria provided. Collection method: clinical testing. Allele origin: germline. Not counted in ClinVar's aggregate classification.
Comment: This variant is classified as likely benign based on ACMG/AMP sequence variant interpretation guidelines (Richards et al. 2015 PMID: 25741868, with internal and published modifications).

Literature cited by the submitters: PubMed 17576681 (cited by Labcorp Genetics (formerly Invitae), Labcorp); PubMed 9536098 (cited by Labcorp Genetics (formerly Invitae), Labcorp).